The following is an entry in ClinVar:

NM_002764.4(PRPS1):c.755T>A (p.Ile252Asn)

Gene: PRPS1 (phosphoribosyl pyrophosphate synthetase 1; plus strand). Cytogenetic location: Xq22.3.
Variant type: single nucleotide variant.
Coding change: c.755T>A on transcript NM_002764.4 (MANE Select); coding-DNA position 755, T replaced by A.
Protein change: p.Ile252Asn; replaces isoleucine 252 with asparagine.
Molecular consequence: missense variant.
Genome position (GRCh38, 1-based): chrX:107,647,656, T>A. VCF-style: chrX-107647656-T-A. GRCh37 (hg19) VCF-style: chrX-106890886-T-A.
Other names: c.143T>A, p.Ile48Asn (NM_001204402.2); short protein forms I252N, I48N.
Identifiers: ClinVar variation 2500350 (VCV002500350.3), dbSNP rs2521349567, ClinGen allele CA413814489.
Genomic context (GRCh38, chrX:107,647,656, plus strand): 5'-TTCCCTCTAGACTTCTCTCAGCTGGCGCCACCAGAGTTTATGCCATCTTGACTCATGGAA[T>A]CTTCTCCGGTCCTGCTATTTCTCGCATCAACAACGCATGCTTTGAGGCAGTAGTAGTCAC-3'
Protein context (NP_002755.1, residues 242-262): TRVYAILTHG[Ile252Asn]FSGPAISRIN

ClinVar aggregate classification (germline): Uncertain significance (1 of 4 stars; one submission).

Conditions:
Phosphoribosylpyrophosphate synthetase superactivity. Identifiers: Orphanet 3222, MedGen C1970827, MONDO:0010395, OMIM 300661.

Submission:

Institute of Human Genetics, University of Leipzig Medical Center
Classification: Uncertain significance for Phosphoribosylpyrophosphate synthetase superactivity. Last evaluated: 2023-03-03. Review status: criteria provided, single submitter. Criteria: ACMG Guidelines, 2015. Collection method: clinical testing. Allele origin: maternal. Inheritance: X-linked recessive inheritance. Affected: yes.
Comment: Criteria applied: PM1,PM2_SUP,PP3